The following is an entry in ClinVar:

NC_000004.11:g.(?_120107101)_(120107355_?)dup

Gene: MYOZ2 (myozenin 2; plus strand). Cytogenetic location: 4q26.
Variant type: Duplication.
Identifiers: ClinVar variation 3246577 (VCV003246577.1).

ClinVar aggregate classification (germline): Uncertain significance (1 of 4 stars; one submission).

Conditions:
Hypertrophic cardiomyopathy. Also called: HYPERTROPHIC MYOCARDIOPATHY. Identifiers: Orphanet 217569, MedGen C0007194, MeSH D002312, MONDO:0005045, HP:0001639.

Submission:

Labcorp Genetics (formerly Invitae), Labcorp
Classification: Uncertain significance for Hypertrophic cardiomyopathy. Last evaluated: 2023-10-04. Review status: criteria provided, single submitter. Criteria: Invitae Variant Classification Sherloc (09022015). Collection method: clinical testing. Allele origin: unknown.
Comment: This variant results in a copy number gain of the genomic region encompassing exon(s) 6 of the MYOZ2 gene. This region includes the termination codon of the gene. This copy number gain extends beyond the assayed region for this gene and therefore may encompass additional genes. As the precise location of this event is unknown, it may be in tandem or it may be located elsewhere in the genome. This variant has not been reported in the literature in individuals affected with MYOZ2-related conditions. In summary, the available evidence is currently insufficient to determine the role of this variant in disease. Therefore, it has been classified as a Variant of Uncertain Significance.